The following is an entry in ClinVar:

ClinVar aggregate classification (germline): Uncertain significance. Review status: criteria provided, multiple submitters, no conflicts (2 of 4 stars). 2 submissions from 2 submitters: Uncertain significance (2). Last evaluated 2025-06-24.

Conditions:
Inborn genetic diseases. Identifiers: MedGen C0950123, MeSH D030342.

Allele frequency attached by ClinVar (database versions not stated): ExAC 0.00001.
gnomAD v4.1: 71 of 1,609,950 alleles (0.0044%); highest among the groups gnomAD compares: Non-Finnish European, 0.0057%; no homozygotes.

Submissions (3):

Ambry Genetics
Classification: Uncertain significance for Inborn genetic diseases. Last evaluated: 2025-06-24. Review status: criteria provided, single submitter. Criteria: Ambry Variant Classification Scheme 2023. Collection method: clinical testing. Allele origin: germline.

Labcorp Genetics (formerly Invitae), Labcorp
Classification: Uncertain significance. Last evaluated: 2022-07-21. Review status: criteria provided, single submitter. Criteria: Invitae Variant Classification Sherloc (09022015). Collection method: clinical testing. Allele origin: germline.
Comment: Algorithms developed to predict the effect of missense changes on protein structure and function (SIFT, PolyPhen-2, Align-GVGD) all suggest that this variant is likely to be tolerated. This sequence change replaces histidine, which is basic and polar, with glutamine, which is neutral and polar, at codon 853 of the PDE8B protein (p.His853Gln). This variant is present in population databases (rs370775538, gnomAD 0.002%). This variant has not been reported in the literature in individuals affected with PDE8B-related conditions. ClinVar contains an entry for this variant (Variation ID: 1497139). Algorithms developed to predict the effect of sequence changes on RNA splicing suggest that this variant may create or strengthen a splice site. In summary, the available evidence is currently insufficient to determine the role of this variant in disease. Therefore, it has been classified as a Variant of Uncertain Significance.

Dr. Peter K. Rogan Lab, Western University
No classification provided (evidence only). Condition: Melanoma. Review status: no classification provided. Collection method: in vitro. Allele origin: not applicable. Functional consequence: retained intron. Not counted in ClinVar's aggregate classification.

NM_003719.5(PDE8B):c.2559T>G (p.His853Gln)

Gene: PDE8B (phosphodiesterase 8B; plus strand). Cytogenetic location: 5q13.3.
Variant type: single nucleotide variant.
Coding change: c.2559T>G on transcript NM_003719.5 (MANE Select); coding-DNA position 2559, T replaced by G.
Protein change: p.His853Gln; replaces histidine 853 with glutamine.
Molecular consequence: missense variant.
Genome position (GRCh38, 1-based): chr5:77,426,455, T>G. VCF-style: chr5-77426455-T-G. GRCh37 (hg19) VCF-style: chr5-76722280-T-G.
Other names: c.2265T>G, p.His755Gln (NM_001376065.1); c.2196T>G, p.His732Gln (NM_001376066.1); c.2187T>G, p.His729Gln (NM_001376067.1, NM_001376068.1, NM_001349753.2); c.2175T>G, p.His725Gln (NM_001376069.1); c.2115T>G, p.His705Gln (NM_001376070.1); c.2112T>G, p.His704Gln (NM_001376071.1); c.2126T>G, p.Ile709Ser (NM_001376072.1); c.1965T>G, p.His655Gln (NM_001376073.1); and 15 more; short protein forms H632Q, H705Q, H725Q, H751Q, H853Q, I709S, H635Q, H729Q.
Identifiers: ClinVar variation 1497139 (VCV001497139.8), dbSNP rs370775538, ClinGen allele CA3315559.